The following is an entry in ClinVar:

ClinVar aggregate classification (germline): Uncertain significance. Review status: criteria provided, multiple submitters, no conflicts (2 of 4 stars). 3 submissions from 3 submitters: Uncertain significance (3). Last evaluated 2023-12-17.

Conditions:
Nemaline myopathy 2 (NEM2). Also called: Nemaline myopathy 2, autosomal recessive. Identifiers: MedGen C1850569, MONDO:0009725, OMIM 256030.
Arthrogryposis multiplex congenita 6. Identifiers: MedGen C5543431, MONDO:0030281, OMIM 619334.
Inborn genetic diseases. Identifiers: MedGen C0950123, MeSH D030342.

Allele frequency attached by ClinVar (database versions not stated): gnomAD 0.00001 and 0.00002; gnomAD exomes 0.00001; TOPMed 0.00002.
gnomAD v4.1: 11 of 1,613,000 alleles (0.00068%); highest among the groups gnomAD compares: Admixed American, 0.0017%; no homozygotes.

Submissions (3):

Ambry Genetics
Classification: Uncertain significance for Inborn genetic diseases. Last evaluated: 2023-12-17. Review status: criteria provided, single submitter. Criteria: Ambry Variant Classification Scheme 2023. Collection method: clinical testing. Allele origin: germline.

Fulgent Genetics
Classification: Uncertain significance for Nemaline myopathy 2; Arthrogryposis multiplex congenita 6. Last evaluated: 2021-09-24. Review status: criteria provided, single submitter. Criteria: ACMG Guidelines, 2015. Collection method: clinical testing. Allele origin: unknown.

Labcorp Genetics (formerly Invitae), Labcorp
Classification: Uncertain significance for Nemaline myopathy 2. Last evaluated: 2021-08-30. Review status: criteria provided, single submitter. Criteria: Invitae Variant Classification Sherloc (09022015). Collection method: clinical testing. Allele origin: germline.
Comment: This sequence change replaces histidine with tyrosine at codon 6621 of the NEB protein (p.His6621Tyr). The histidine residue is moderately conserved and there is a moderate physicochemical difference between histidine and tyrosine. This variant is not present in population databases (ExAC no frequency). This variant has not been reported in the literature in individuals affected with NEB-related conditions. Algorithms developed to predict the effect of missense changes on protein structure and function are either unavailable or do not agree on the potential impact of this missense change (SIFT: "Deleterious"; PolyPhen-2: "Not Available"; Align-GVGD: "Class C0"). In summary, the available evidence is currently insufficient to determine the role of this variant in disease. Therefore, it has been classified as a Variant of Uncertain Significance.

NM_001164508.2(NEB):c.19861C>T (p.His6621Tyr)

Gene: NEB (nebulin; minus strand). Cytogenetic location: 2q23.3.
Variant type: single nucleotide variant.
Coding change: c.19861C>T on transcript NM_001164508.2 (MANE Select); coding-DNA position 19861, C replaced by T.
Protein change: p.His6621Tyr; replaces histidine 6621 with tyrosine.
Molecular consequence: missense variant.
Genome position (GRCh38, 1-based): chr2:151,551,821, G>A on the plus strand (C>T on the coding strand, the complement: NEB is on the minus strand). VCF-style: chr2-151551821-G-A. GRCh37 (hg19) VCF-style: chr2-152408335-G-A.
Other names: c.19861C>T, p.His6621Tyr (NM_001164507.2, NM_001271208.2); c.14758C>T, p.His4920Tyr (NM_004543.5); c.14758C>T (NM_004543.4); short protein forms H4920Y, H6621Y.
Identifiers: ClinVar variation 1355416 (VCV001355416.7), dbSNP rs1559832482, ClinGen allele CA348787302.